The following is an entry in ClinVar:

ClinVar aggregate classification (germline): Uncertain significance (1 of 4 stars; one submission).

Conditions:
Familial hemophagocytic lymphohistiocytosis 2 (FHL2). Also called: PRF1-Related Familial Hemophagocytic Lymphohistiocytosis (PRF1-fHLH). Identifiers: Orphanet 540, MedGen C1863727, MONDO:0011337, OMIM 603553.

Allele frequency attached by ClinVar (database versions not stated): gnomAD exomes below 0.00001.
gnomAD v4.1: 2 of 1,614,180 alleles (0.00012%); highest among the groups gnomAD compares: East Asian, 0.0022%; no homozygotes.

Submission:

Labcorp Genetics (formerly Invitae), Labcorp
Classification: Uncertain significance for Familial hemophagocytic lymphohistiocytosis 2. Last evaluated: 2022-06-05. Review status: criteria provided, single submitter. Criteria: Invitae Variant Classification Sherloc (09022015). Collection method: clinical testing. Allele origin: germline.
Comment: In summary, the available evidence is currently insufficient to determine the role of this variant in disease. Therefore, it has been classified as a Variant of Uncertain Significance. Algorithms developed to predict the effect of missense changes on protein structure and function output the following: SIFT: "Tolerated"; PolyPhen-2: "Benign"; Align-GVGD: "Class C0". The glutamic acid amino acid residue is found in multiple mammalian species, which suggests that this missense change does not adversely affect protein function. ClinVar contains an entry for this variant (Variation ID: 1426727). This variant has not been reported in the literature in individuals affected with PRF1-related conditions. This variant is present in population databases (no rsID available, gnomAD 0.003%). This sequence change replaces glycine, which is neutral and non-polar, with glutamic acid, which is acidic and polar, at codon 530 of the PRF1 protein (p.Gly530Glu).

NM_001083116.3(PRF1):c.1589G>A (p.Gly530Glu)

Gene: PRF1 (perforin 1; minus strand). Cytogenetic location: 10q22.1.
Variant type: single nucleotide variant.
Coding change: c.1589G>A on transcript NM_001083116.3 (MANE Select); coding-DNA position 1589, G replaced by A.
Protein change: p.Gly530Glu; replaces glycine 530 with glutamic acid.
Molecular consequence: missense variant.
Genome position (GRCh38, 1-based): chr10:70,598,132, C>T on the plus strand (G>A on the coding strand, the complement: PRF1 is on the minus strand). VCF-style: chr10-70598132-C-T. GRCh37 (hg19) VCF-style: chr10-72357888-C-T.
Other names: c.1589G>A, p.Gly530Glu (NM_005041.6); short protein forms G530E.
Identifiers: ClinVar variation 1426727 (VCV001426727.6), dbSNP rs1350760396, ClinGen allele CA376954900.